The following is an entry in ClinVar:

ClinVar aggregate classification (germline): Uncertain significance (1 of 4 stars; one submission).

Allele frequency attached by ClinVar (database versions not stated): gnomAD exomes below 0.00001; TOPMed 0.00001; gnomAD 0.00002.

Submission:

GeneDx
Classification: Uncertain significance. Last evaluated: 2022-08-01. Review status: criteria provided, single submitter. Criteria: GeneDx Variant Classification Process June 2021. Collection method: clinical testing. Allele origin: germline. Affected: yes.
Comment: Not observed at significant frequency in large population cohorts (gnomAD); In silico analysis supports that this missense variant has a deleterious effect on protein structure/function; Has not been previously published as pathogenic or benign to our knowledge

NM_001374353.1(GLI2):c.1588G>A (p.Ala530Thr)

Gene: GLI2 (GLI family zinc finger 2; plus strand). Cytogenetic location: 2q14.2.
Variant type: single nucleotide variant.
Coding change: c.1588G>A on transcript NM_001374353.1 (MANE Select); coding-DNA position 1588, G replaced by A.
Protein change: p.Ala530Thr; replaces alanine 530 with threonine.
Molecular consequence: missense variant.
Genome position (GRCh38, 1-based): chr2:120,982,836, G>A. VCF-style: chr2-120982836-G-A. GRCh37 (hg19) VCF-style: chr2-121740412-G-A.
Other names: c.1639G>A, p.Ala547Thr (NM_001371271.1, NM_005270.5); c.1213G>A, p.Ala405Thr (NM_001374354.1); short protein forms A405T, A530T, A547T.
Identifiers: ClinVar variation 2428786 (VCV002428786.3), dbSNP rs1436259584, ClinGen allele CA348162405.